The following is an entry in ClinVar:

ClinVar aggregate classification (germline): Uncertain significance (1 of 4 stars; one submission).

Conditions:
Hereditary breast ovarian cancer syndrome. Also called: Hereditary breast and/or ovarian cancer syndrome; Hereditary breast and ovarian cancer syndrome; Hereditary breast and ovarian cancer; Hereditary breast and ovarian cancer syndrome (HBOC); Breast and ovarian cancer; BRCA1- and BRCA2-Associated Hereditary Breast and Ovarian Cancer. Identifiers: Orphanet 145, MedGen C0677776, MeSH D061325, MONDO:0003582. Disease mechanism: loss of function.

Submission:

Labcorp Genetics (formerly Invitae), Labcorp
Classification: Uncertain significance for Hereditary breast ovarian cancer syndrome. Last evaluated: 2019-07-09. Review status: criteria provided, single submitter. Criteria: Invitae Variant Classification Sherloc (09022015). Collection method: clinical testing. Allele origin: germline.
Comment: This variant has not been reported in the literature in individuals with BRCA2-related conditions. Algorithms developed to predict the effect of missense changes on protein structure and function output the following: SIFT: "Tolerated"; PolyPhen-2: "Benign"; Align-GVGD: "Class C0". The valine amino acid residue is found in multiple mammalian species, suggesting that this missense change does not adversely affect protein function. These predictions have not been confirmed by published functional studies and their clinical significance is uncertain. In summary, the available evidence is currently insufficient to determine the role of this variant in disease. Therefore, it has been classified as a Variant of Uncertain Significance. This variant is not present in population databases (ExAC no frequency). This sequence change replaces phenylalanine with valine at codon 2470 of the BRCA2 protein (p.Phe2470Val). The phenylalanine residue is weakly conserved and there is a small physicochemical difference between phenylalanine and valine.

NM_000059.4(BRCA2):c.7408T>G (p.Phe2470Val)

Gene: BRCA2 (BRCA2 DNA repair associated; plus strand). Cytogenetic location: 13q13.1.
Variant type: single nucleotide variant.
Coding change: c.7408T>G on transcript NM_000059.4 (MANE Select); coding-DNA position 7408, T replaced by G.
Protein change: p.Phe2470Val; replaces phenylalanine 2470 with valine.
Molecular consequence: missense variant.
Genome position (GRCh38, 1-based): chr13:32,355,261, T>G. VCF-style: chr13-32355261-T-G. GRCh37 (hg19) VCF-style: chr13-32929398-T-G.
Other names: short protein forms F2470V.
Identifiers: ClinVar variation 939054 (VCV000939054.10), dbSNP rs2072684456, ClinGen allele CA387741904.
Genomic context (GRCh38, chr13:32,355,261, plus strand): 5'-AATGACAATGAGATTCATCAGTTTAACAAAAACAACTCCAATCAAGCAGTAGCTGTAACT[T>G]TCACAAAGTGTGAAGAAGAACCTTTAGGTATTGTATGACAATTTGTGTGATGAATTTTTG-3'
Protein context (NP_000050.3, residues 2460-2480): NNSNQAVAVT[Phe2470Val]TKCEEEPLDL